The following is an entry in ClinVar:

ClinVar aggregate classification (germline): Uncertain significance (1 of 4 stars; one submission).

Conditions:
Arrhythmogenic right ventricular dysplasia 8 (ARVD8). Also called: Arrhythmogenic Right Ventricular Dysplasia/Cardiomyopathy 8; ARRHYTHMOGENIC RIGHT VENTRICULAR DYSPLASIA, FAMILIAL, 8; ARRHYTHMOGENIC RIGHT VENTRICULAR CARDIOMYOPATHY 8. Identifiers: MedGen C1843896, MONDO:0011831, OMIM 607450.
Arrhythmogenic cardiomyopathy with wooly hair and keratoderma. Also called: PALMOPLANTAR KERATODERMA WITH LEFT VENTRICULAR CARDIOMYOPATHY AND WOOLLY HAIR; Carvajal syndrome; Dilated cardiomyopathy with woolly hair and keratoderma; Arrhythmogenic cardiomyopathy with woolly hair and keratoderma. Identifiers: Orphanet 65282, MedGen C1854063, MONDO:0011581, OMIM 605676.

Submission:

Labcorp Genetics (formerly Invitae), Labcorp
Classification: Uncertain significance for Arrhythmogenic cardiomyopathy with wooly hair and keratoderma; Arrhythmogenic right ventricular dysplasia 8. Last evaluated: 2025-08-18. Review status: criteria provided, single submitter. Criteria: Invitae Variant Classification Sherloc (09022015). Collection method: clinical testing. Allele origin: germline.
Comment: This sequence change replaces aspartic acid, which is acidic and polar, with glutamic acid, which is acidic and polar, at codon 1133 of the DSP protein (p.Asp1133Glu). This variant is not present in population databases (gnomAD no frequency). This variant has not been reported in the literature in individuals affected with DSP-related conditions. ClinVar contains an entry for this variant (Variation ID: 2936643). An algorithm developed to predict the effect of missense changes on protein structure and function (PolyPhen-2) suggests that this variant is likely to be tolerated. In summary, the available evidence is currently insufficient to determine the role of this variant in disease. Therefore, it has been classified as a Variant of Uncertain Significance.

NM_004415.4(DSP):c.3399C>G (p.Asp1133Glu)

Gene: DSP (desmoplakin; plus strand). Cytogenetic location: 6p24.3.
Variant type: single nucleotide variant.
Coding change: c.3399C>G on transcript NM_004415.4 (MANE Select); coding-DNA position 3399, C replaced by G.
Protein change: p.Asp1133Glu; replaces aspartic acid 1133 with glutamic acid.
Molecular consequence: missense variant.
Genome position (GRCh38, 1-based): chr6:7,579,589, C>G. VCF-style: chr6-7579589-C-G. GRCh37 (hg19) VCF-style: chr6-7579822-C-G.
Other names: c.3399C>G, p.Asp1133Glu (NM_001008844.3, NM_001319034.2); short protein forms D1133E.
Identifiers: ClinVar variation 2936643 (VCV002936643.2), dbSNP rs2533923516, ClinGen allele CA362683957.
Genomic context (GRCh38, chr6:7,579,589, plus strand): 5'-ACTGACTTATGAGATTGAAGATGAAAAGAGAAGAAGAAAATCTGTGGAAGACAGATTTGA[C>G]CAACAGAAGAATGACTATGACCAACTGCAGAAAGCAAGGCAATGTGAAAAGGAGAACCTT-3'
Protein context (NP_004406.2, residues 1123-1143): RRRKSVEDRF[Asp1133Glu]QQKNDYDQLQ